The following is an entry in ClinVar:

NM_006852.6(TLK2):c.912C>T (p.His304=)

Genes: TLK2 (tousled like kinase 2; plus strand), LOC126862611 (CDK7 strongly-dependent group 2 enhancer GRCh37_chr17:60642433-60643632; plus strand). Cytogenetic location: 17q23.2.
Variant type: single nucleotide variant.
Coding change: c.912C>T on transcript NM_006852.6 (MANE Select); coding-DNA position 912, C replaced by T.
Protein change: p.His304=; no amino-acid change (histidine 304 retained).
Molecular consequence: synonymous variant.
Genome position (GRCh38, 1-based): chr17:62,565,081, C>T. VCF-style: chr17-62565081-C-T. GRCh37 (hg19) VCF-style: chr17-60642442-C-T.
Other names: c.912C>T, p.His304= (NM_001284333.3, NM_001375270.1, NM_001375271.1); c.816C>T, p.His272= (NM_001284363.1, NM_001375272.1); c.465C>T, p.His155= (NM_001330418.3, NM_001375273.1); c.954C>T, p.His318= (NM_001375269.1); c.627C>T, p.His209= (NM_001411074.1).
Identifiers: ClinVar variation 3025464 (VCV003025464.22), dbSNP rs201038576, ClinGen allele CA8694824.

ClinVar aggregate classification (germline): Likely benign (1 of 4 stars; one submission).

Allele frequency attached by ClinVar (database versions not stated): gnomAD exomes 0.00004; ExAC 0.00005; TOPMed 0.00005; gnomAD 0.00007; ESP Exome Variant Server 0.00008; 1000 Genomes Project 30x 0.00016; 1000 Genomes Project 0.00020.
gnomAD v4.1: 77 of 1,614,076 alleles (0.0048%); highest among the groups gnomAD compares: East Asian, 0.016%; no homozygotes.

Submission:

CeGaT Center for Human Genetics Tuebingen
Classification: Likely benign. Last evaluated: 2024-02-01. Review status: criteria provided, single submitter. Criteria: CeGaT Center For Human Genetics Tuebingen Variant Classification Criteria Version 2. Collection method: clinical testing. Allele origin: germline. Affected: yes. Observed: 1 variant allele.
Comment: TLK2: BP4, BP7